The following is an entry in ClinVar:

ClinVar aggregate classification (germline): Uncertain significance. Review status: criteria provided, multiple submitters, no conflicts (2 of 4 stars). 2 submissions from 2 submitters: Uncertain significance (2). Last evaluated 2025-08-30.

Conditions:
Familial thoracic aortic aneurysm and aortic dissection (TAAD). Also called: Thoracic aortic aneurysms and dissections. Identifiers: Orphanet 91387, MedGen C4707243, MONDO:0019625.
Hereditary cancer-predisposing syndrome. Also called: Neoplastic Syndromes, Hereditary; Hereditary Cancer Syndrome; Tumor predisposition; Hereditary neoplastic syndrome. Identifiers: Orphanet 140162, MedGen C0027672, MeSH D009386, MONDO:0015356.

Submissions (2):

Color Diagnostics, LLC DBA Color Health
Classification: Uncertain significance for Hereditary cancer-predisposing syndrome. Last evaluated: 2025-08-30. Review status: criteria provided, single submitter. Criteria: ACMG Guidelines, 2015. Collection method: clinical testing. Allele origin: germline.
Comment: This missense variant replaces phenylalanine with leucine at codon 214 of the SMAD4 protein. Computational prediction suggests that this variant may not impact protein structure and function. To our knowledge, functional studies have not been reported for this variant. This variant has not been reported in individuals affected with SMAD4-related disorders in the literature. This variant has not been identified in the general population by the Genome Aggregation Database (gnomAD). The available evidence is insufficient to determine the role of this variant in disease conclusively. Therefore, this variant is classified as a Variant of Uncertain Significance.

Ambry Genetics
Classification: Uncertain significance for Hereditary cancer-predisposing syndrome; Familial thoracic aortic aneurysm and aortic dissection. Last evaluated: 2025-03-10. Review status: criteria provided, single submitter. Criteria: Ambry Variant Classification Scheme 2023. Collection method: clinical testing. Allele origin: germline.
Comment: The p.F214L variant (also known as c.642T>A), located in coding exon 4 of the SMAD4 gene, results from a T to A substitution at nucleotide position 642. The phenylalanine at codon 214 is replaced by leucine, an amino acid with highly similar properties. This amino acid position is conserved. In addition, the in silico prediction for this alteration is inconclusive. Based on the available evidence, the clinical significance of this variant remains unclear.

NM_005359.6(SMAD4):c.642T>A (p.Phe214Leu)

Gene: SMAD4 (SMAD family member 4; plus strand). Cytogenetic location: 18q21.2.
Variant type: single nucleotide variant.
Coding change: c.642T>A on transcript NM_005359.6 (MANE Select); coding-DNA position 642, T replaced by A.
Protein change: p.Phe214Leu; replaces phenylalanine 214 with leucine.
Molecular consequence: missense variant. On other transcripts: non-coding transcript variant (2).
Genome position (GRCh38, 1-based): chr18:51,054,968, T>A. VCF-style: chr18-51054968-T-A. GRCh37 (hg19) VCF-style: chr18-48581338-T-A.
Other names: c.642T>A, p.Phe214Leu (NM_001407041.1, NM_001407042.1, NM_001407043.1); short protein forms F214L.
Identifiers: ClinVar variation 3798819 (VCV003798819.2).